The following is an entry in ClinVar:

NM_020774.4(MIB1):c.2236G>T (p.Gly746Trp)

Gene: MIB1 (MIB E3 ubiquitin protein ligase 1; plus strand). Cytogenetic location: 18q11.2.
Variant type: single nucleotide variant.
Coding change: c.2236G>T on transcript NM_020774.4 (MANE Select); coding-DNA position 2236, G replaced by T.
Protein change: p.Gly746Trp; replaces glycine 746 with tryptophan.
Molecular consequence: missense variant.
Genome position (GRCh38, 1-based): chr18:21,846,968, G>T. VCF-style: chr18-21846968-G-T. GRCh37 (hg19) VCF-style: chr18-19426929-G-T.
Other names: short protein forms G746W.
Identifiers: ClinVar variation 3872829 (VCV003872829.1).

ClinVar aggregate classification (germline): Uncertain significance (1 of 4 stars; one submission).

Conditions:
Inborn genetic diseases. Identifiers: MedGen C0950123, MeSH D030342.

gnomAD v4.1: 2 of 1,613,884 alleles (0.00012%); highest among the groups gnomAD compares: East Asian, 0.0045%; no homozygotes.

Submission:

Ambry Genetics
Classification: Uncertain significance for Inborn genetic diseases. Last evaluated: 2025-01-16. Review status: criteria provided, single submitter. Criteria: Ambry Variant Classification Scheme 2023. Collection method: clinical testing. Allele origin: germline.
Comment: The p.G746W variant (also known as c.2236G>T), located in coding exon 16 of the MIB1 gene, results from a G to T substitution at nucleotide position 2236. The glycine at codon 746 is replaced by tryptophan, an amino acid with highly dissimilar properties. This amino acid position is conserved. In addition, the in silico prediction for this alteration is inconclusive. Based on the available evidence, the clinical significance of this variant remains unclear.